The following is an entry in ClinVar:

ClinVar aggregate classification (germline): Conflicting classifications of pathogenicity. Review status: criteria provided, conflicting classifications (1 of 4 stars). 3 submissions from 3 submitters: Uncertain significance (1); Likely benign (2). Last evaluated 2025-12-28.

Conditions:
Muscular dystrophy-dystroglycanopathy (congenital with brain and eye anomalies), type A2. Also called: WALKER-WARBURG SYNDROME OR MUSCLE-EYE-BRAIN DISEASE, POMT2-RELATED; MUSCULAR DYSTROPHY-DYSTROGLYCANOPATHY (CONGENITAL WITH BRAIN AND EYE ANOMALIES), TYPE A, 2. Identifiers: Orphanet 588, Orphanet 899, MedGen C3150411, MONDO:0013154, OMIM 613150.
Muscular dystrophy-dystroglycanopathy (congenital with impaired intellectual development), type B, 2. Also called: Muscular dystrophy-dystroglycanopathy (congenital with intellectual disability), type B2; MUSCULAR DYSTROPHY, CONGENITAL, POMT2-RELATED. Identifiers: MedGen C3150416, MONDO:0013160, OMIM 613156.
Autosomal recessive limb-girdle muscular dystrophy type 2N. Also called: MUSCULAR DYSTROPHY-DYSTROGLYCANOPATHY, LIMB-GIRDLE, POMT2-RELATED; Muscular dystrophy-dystroglycanopathy (limb-girdle), type C, 2. Identifiers: Orphanet 206559, MedGen C3150418, MONDO:0013162, OMIM 613158.

Allele frequency attached by ClinVar (database versions not stated): gnomAD exomes 0.00006; TOPMed 0.00010; ExAC 0.00004; gnomAD 0.00013; ESP Exome Variant Server 0.00008.
gnomAD v4.1: 52 of 1,613,248 alleles (0.0032%); highest among the groups gnomAD compares: African/African-American, 0.028%; no homozygotes.

Submissions (3):

Labcorp Genetics (formerly Invitae), Labcorp
Classification: Likely benign for Muscular dystrophy-dystroglycanopathy (congenital with impaired intellectual development), type B, 2; Muscular dystrophy-dystroglycanopathy (congenital with brain and eye anomalies), type A2; Autosomal recessive limb-girdle muscular dystrophy type 2N. Last evaluated: 2025-12-28. Review status: criteria provided, single submitter. Criteria: Invitae Variant Classification Sherloc (09022015). Collection method: clinical testing. Allele origin: germline.

GeneDx
Classification: Likely benign. Last evaluated: 2021-03-13. Review status: criteria provided, single submitter. Criteria: GeneDx Variant Classification Process June 2021. Collection method: clinical testing. Allele origin: germline. Affected: yes.

Eurofins Ntd Llc (ga)
Classification: Uncertain significance. Last evaluated: 2015-07-29. Review status: criteria provided, single submitter. Criteria: EGL Classification Definitions 2015. Collection method: clinical testing. Allele origin: germline. Observed: 2 variant alleles, 2 heterozygotes.

NM_013382.7(POMT2):c.1920C>T (p.Gly640=)

Gene: POMT2 (protein O-mannosyltransferase 2; minus strand). Cytogenetic location: 14q24.3.
Variant type: single nucleotide variant.
Coding change: c.1920C>T on transcript NM_013382.7 (MANE Select); coding-DNA position 1920, C replaced by T.
Protein change: p.Gly640=; no amino-acid change (glycine 640 retained).
Molecular consequence: synonymous variant.
Genome position (GRCh38, 1-based): chr14:77,278,841, G>A on the plus strand (C>T on the coding strand, the complement: POMT2 is on the minus strand). VCF-style: chr14-77278841-G-A. GRCh37 (hg19) VCF-style: chr14-77745184-G-A.
Identifiers: ClinVar variation 281987 (VCV000281987.17), dbSNP rs150755807, ClinGen allele CA7285594.